The following is an entry in ClinVar:

ClinVar aggregate classification (germline): Uncertain significance (1 of 4 stars; one submission).

Submission:

Labcorp Genetics (formerly Invitae), Labcorp
Classification: Uncertain significance. Last evaluated: 2024-08-14. Review status: criteria provided, single submitter. Criteria: Invitae Variant Classification Sherloc (09022015). Collection method: clinical testing. Allele origin: germline.
Comment: This sequence change replaces alanine, which is neutral and non-polar, with lysine, which is basic and polar, at codon 3664 of the HMCN1 protein (p.Ala3664Lys). Information on the frequency of this variant in the gnomAD database is not available, as this variant may be reported differently in the database. This variant has not been reported in the literature in individuals affected with HMCN1-related conditions. An algorithm developed to predict the effect of missense changes on protein structure and function (PolyPhen-2) suggests that this variant is likely to be tolerated. In summary, the available evidence is currently insufficient to determine the role of this variant in disease. Therefore, it has been classified as a Variant of Uncertain Significance.

NM_031935.3(HMCN1):c.10990_10991delinsAA (p.Ala3664Lys)

Gene: HMCN1 (hemicentin 1; plus strand). Cytogenetic location: 1q31.1.
Variant type: Indel.
Coding change: c.10990_10991delinsAA on transcript NM_031935.3 (MANE Select); coding-DNA positions 10990 to 10991, GC replaced by AA.
Protein change: p.Ala3664Lys; replaces alanine 3664 with lysine.
Molecular consequence: missense variant.
Genome position (GRCh38, 1-based): chr1:186,112,812-186,112,813, GC replaced by AA. VCF-style: chr1-186112812-GC-AA. GRCh37 (hg19) VCF-style: chr1-186081944-GC-AA.
Other names: short protein forms A3664K.
Identifiers: ClinVar variation 3662493 (VCV003662493.2).